The following is an entry in ClinVar:

NM_001909.5(CTSD):c.471G>A (p.Ser157=)

Gene: CTSD (cathepsin D; minus strand). Cytogenetic location: 11p15.5.
Variant type: single nucleotide variant.
Coding change: c.471G>A on transcript NM_001909.5 (MANE Select); coding-DNA position 471, G replaced by A.
Protein change: p.Ser157=; no amino-acid change (serine 157 retained).
Molecular consequence: synonymous variant.
Genome position (GRCh38, 1-based): chr11:1,758,969, C>T on the plus strand (G>A on the coding strand, the complement: CTSD is on the minus strand). VCF-style: chr11-1758969-C-T. GRCh37 (hg19) VCF-style: chr11-1780199-C-T.
Identifiers: ClinVar variation 578758 (VCV000578758.8), dbSNP rs760318745, ClinGen allele CA5814171.
Genomic context (GRCh38, chr11:1,758,969, plus strand): 5'-GTGGGTGAACCCCACACCCTGGCACCCTCGAGTCCTGGGAAAGGCCCCAGAGGGACTCAC[C>T]GACACAGTGTCCTGGCTCAGGTACCCGGAGAGGCTGCCCGAGCCATAGTGGATGTCAAAC-3'
Protein context (NP_001900.1, residues 147-167): LSGYLSQDTV[Ser157=]VPCQSASSAS

ClinVar aggregate classification (germline): Uncertain significance. Review status: criteria provided, multiple submitters, no conflicts (2 of 4 stars). 2 submissions from 2 submitters: Uncertain significance (2). Last evaluated 2022-08-16.

Conditions:
Inborn genetic diseases. Identifiers: MedGen C0950123, MeSH D030342.
Neuronal ceroid lipofuscinosis. Also called: Neuronal Ceroid Lipofuscinoses. Identifiers: Orphanet 216, Orphanet 79263, MedGen C0027877, MONDO:0016295. Disease mechanism: loss of function.

Allele frequency attached by ClinVar (database versions not stated): gnomAD exomes below 0.00001 and 0.00001; ExAC 0.00001; gnomAD 0.00001; TOPMed 0.00002.
gnomAD v4.1: 21 of 1,603,588 alleles (0.0013%); highest among the groups gnomAD compares: African/African-American, 0.0054%; no homozygotes.

Submissions (2):

Labcorp Genetics (formerly Invitae), Labcorp
Classification: Uncertain significance for Neuronal ceroid lipofuscinosis. Last evaluated: 2022-08-16. Review status: criteria provided, single submitter. Criteria: Invitae Variant Classification Sherloc (09022015). Collection method: clinical testing. Allele origin: germline.
Comment: This sequence change affects codon 157 of the CTSD mRNA. It is a 'silent' change, meaning that it does not change the encoded amino acid sequence of the CTSD protein. This variant also falls at the last nucleotide of exon 4, which is part of the consensus splice site for this exon. This variant is present in population databases (rs760318745, gnomAD 0.006%). This variant has not been reported in the literature in individuals affected with CTSD-related conditions. ClinVar contains an entry for this variant (Variation ID: 578758). Variants that disrupt the consensus splice site are a relatively common cause of aberrant splicing (PMID: 17576681, 9536098). Algorithms developed to predict the effect of sequence changes on RNA splicing suggest that this variant is not likely to affect RNA splicing. In summary, the available evidence is currently insufficient to determine the role of this variant in disease. Therefore, it has been classified as a Variant of Uncertain Significance.

Ambry Genetics
Classification: Uncertain significance for Inborn genetic diseases. Last evaluated: 2017-01-18. Review status: criteria provided, single submitter. Criteria: Ambry Variant Classification Scheme 2023. Collection method: clinical testing. Allele origin: germline.
Comment: The c.471G>A variant (also known as p.S157S), located in coding exon 4 of the CTSD gene, results from a G to A substitution at nucleotide position 471. This nucleotide substitution does not change the amino acid at codon 157. However, this change occurs in the last base pair of coding exon 4, which makes it likely to have some effect on normal mRNA splicing. This nucleotide position is well conserved in available vertebrate species. Using the BDGP and ESEfinder splice site prediction tools, this alteration is predicted to abolish the native splice donor site; however, direct evidence is unavailable. Since supporting evidence is limited at this time, the clinical significance of this alteration remains unclear.

Literature cited by the submitters: PubMed 17576681 (cited by Labcorp Genetics (formerly Invitae), Labcorp); PubMed 9536098 (cited by Labcorp Genetics (formerly Invitae), Labcorp).